The following is an entry in ClinVar:

ClinVar aggregate classification (germline): Benign. Review status: criteria provided, multiple submitters, no conflicts (2 of 4 stars). 2 submissions from 2 submitters: Benign (2). Last evaluated 2020-02-18.

Allele frequency attached by ClinVar (database versions not stated): 1000 Genomes Project 0.15076; 1000 Genomes Project 30x 0.15443; gnomAD exomes 0.16372 and 0.17436; ExAC 0.17543; TOPMed 0.17712; gnomAD 0.18479 and 0.19023; ESP Exome Variant Server 0.19002.
gnomAD v4.1: 273,641 of 1,563,974 alleles (17%); highest among the groups gnomAD compares: African/African-American, 22%; 25,182 homozygotes.

Submissions (2):

GeneDx
Classification: Benign. Last evaluated: 2020-02-18. Review status: criteria provided, single submitter. Criteria: GeneDx Variant Classification Process June 2021. Collection method: clinical testing. Allele origin: germline. Affected: yes.
Comment: This variant is associated with the following publications: (PMID: 23128233, 26610302)

Breakthrough Genomics
Classification: Benign. Review status: criteria provided, single submitter. Criteria: ACMG Guidelines, 2015. Collection method: not provided. Allele origin: germline. Inheritance: Unknown mechanism. Affected: yes.

NM_005301.5(GPR35):c.323C>T (p.Thr108Met)

Genes: GPR35 (G protein-coupled receptor 35; plus strand), LOC122889014 (Sharpr-MPRA regulatory region 3769; plus strand). Cytogenetic location: 2q37.3.
Variant type: single nucleotide variant.
Coding change: c.323C>T on transcript NM_005301.5 (MANE Select); coding-DNA position 323, C replaced by T.
Protein change: p.Thr108Met; replaces threonine 108 with methionine.
Molecular consequence: missense variant.
Genome position (GRCh38, 1-based): chr2:240,630,275, C>T. VCF-style: chr2-240630275-C-T. GRCh37 (hg19) VCF-style: chr2-241569692-C-T.
Other names: c.416C>T, p.Thr139Met (NM_001195381.3, NM_001195382.3, NM_001394730.1); short protein forms T108M, T139M.
Identifiers: ClinVar variation 1234784 (VCV001234784.4), dbSNP rs3749171, ClinGen allele CA2206242.